The following is an entry in ClinVar:

NM_031935.3(HMCN1):c.14726G>A (p.Arg4909His)

Gene: HMCN1 (hemicentin 1; plus strand). Cytogenetic location: 1q31.1.
Variant type: single nucleotide variant.
Coding change: c.14726G>A on transcript NM_031935.3 (MANE Select); coding-DNA position 14726, G replaced by A.
Protein change: p.Arg4909His; replaces arginine 4909 with histidine.
Molecular consequence: missense variant.
Genome position (GRCh38, 1-based): chr1:186,151,317, G>A. VCF-style: chr1-186151317-G-A. GRCh37 (hg19) VCF-style: chr1-186120449-G-A.
Other names: short protein forms R4909H.
Identifiers: ClinVar variation 294279 (VCV000294279.12), dbSNP rs148097981, ClinGen allele CA1295034.
Genomic context (GRCh38, chr1:186,151,317, plus strand): 5'-GAATTGCTTTCCTTAATGCCACAATAACTGATAGCCCTAACTCTGATACTAGAATAATAC[G>A]TGCCAAAATTACCAATGTACCTCGTAGTCTTGGTAAGTCTTTGCCTCAAGCCTCTTTTTA-3'
Protein context (NP_114141.2, residues 4899-4919): DSPNSDTRII[Arg4909His]AKITNVPRSL

ClinVar aggregate classification (germline): Conflicting classifications of pathogenicity. Review status: criteria provided, conflicting classifications (1 of 4 stars). 4 submissions from 4 submitters: Uncertain significance (3); Likely benign (1). Last evaluated 2025-12-29.

Conditions:
Age related macular degeneration 1 (ARMD1). Also called: MACULOPATHY, AGE-RELATED, 1. Identifiers: MedGen C1864205, MONDO:0011285, OMIM 603075.

Allele frequency attached by ClinVar (database versions not stated): TOPMed 0.00015; gnomAD exomes 0.00016 and 0.00025; ExAC 0.00019; gnomAD 0.00021 and 0.00022; ESP Exome Variant Server 0.00031.
gnomAD v4.1: 401 of 1,613,436 alleles (0.025%); highest among the groups gnomAD compares: South Asian, 0.052%; 1 homozygote.

Submissions (4):

Labcorp Genetics (formerly Invitae), Labcorp
Classification: Uncertain significance. Last evaluated: 2025-12-29. Review status: criteria provided, single submitter. Criteria: Invitae Variant Classification Sherloc (09022015). Collection method: clinical testing. Allele origin: germline.
Comment: This sequence change replaces arginine, which is basic and polar, with histidine, which is basic and polar, at codon 4909 of the HMCN1 protein (p.Arg4909His). This variant is present in population databases (rs148097981, gnomAD 0.06%), and has an allele count higher than expected for a pathogenic variant. This variant has not been reported in the literature in individuals affected with HMCN1-related conditions. ClinVar contains an entry for this variant (Variation ID: 294279). An algorithm developed to predict the effect of missense changes on protein structure and function outputs the following: PolyPhen-2: "Benign". The histidine amino acid residue is found in multiple mammalian species, which suggests that this missense change does not adversely affect protein function. In summary, the available evidence is currently insufficient to determine the role of this variant in disease. Therefore, it has been classified as a Variant of Uncertain Significance.

Ambry Genetics
Classification: Likely benign. Last evaluated: 2023-08-08. Review status: criteria provided, single submitter. Criteria: Ambry Variant Classification Scheme 2023. Collection method: clinical testing. Allele origin: germline.

Illumina Laboratory Services, Illumina
Classification: Uncertain significance for Age related macular degeneration 1. Last evaluated: 2018-01-12. Review status: criteria provided, single submitter. Criteria: ICSL Variant Classification Criteria 13 December 2019. Collection method: clinical testing. Allele origin: germline.

Breakthrough Genomics
Classification: Uncertain significance. Review status: criteria provided, single submitter. Criteria: ACMG Guidelines, 2015. Collection method: not provided. Allele origin: germline. Inheritance: Autosomal dominant inheritance. Affected: yes.